The following is an entry in ClinVar:

NM_000051.4(ATM):c.1440A>T (p.Leu480Phe)

Gene: ATM (ATM serine/threonine kinase; plus strand). Cytogenetic location: 11q22.3.
Variant type: single nucleotide variant.
Coding change: c.1440A>T on transcript NM_000051.4 (MANE Select); coding-DNA position 1440, A replaced by T.
Protein change: p.Leu480Phe; replaces leucine 480 with phenylalanine.
Molecular consequence: missense variant.
Genome position (GRCh38, 1-based): chr11:108,250,905, A>T. VCF-style: chr11-108250905-A-T. GRCh37 (hg19) VCF-style: chr11-108121632-A-T.
Other names: c.1440A>T, p.Leu480Phe (NM_001351834.2); short protein forms L480F.
Identifiers: ClinVar variation 407573 (VCV000407573.8), dbSNP rs370240037, ClinGen allele CA16613320.
Genomic context (GRCh38, chr11:108,250,905, plus strand): 5'-GGAAGTTGCATTGTGTCAAGACAAGAGGTCAAACCTAGAAAGCTCACAAAAGTCAGATTT[A>T]TTAAAACTCTGGAATAAAATTTGGTGTATTACCTTTCGTGGTATAAGTTCTGAGCAAATA-3'
Protein context (NP_000042.3, residues 470-490): SNLESSQKSD[Leu480Phe]LKLWNKIWCI

ClinVar aggregate classification (germline): Uncertain significance (1 of 4 stars; one submission).

Conditions:
Ataxia-telangiectasia syndrome (AT). Also called: Ataxia telangiectasia (A-T); LOUIS-BAR SYNDROME; Cerebello-oculocutaneous telangiectasia; Immunodeficiency with ataxia telangiectasia; Ataxia-telangiectasia, complementation group D; AT, COMPLEMENTATION GROUP C. Identifiers: Orphanet 100, MedGen C0004135, MONDO:0008840, OMIM 208900.

Submission:

Labcorp Genetics (formerly Invitae), Labcorp
Classification: Uncertain significance for Ataxia-telangiectasia syndrome. Last evaluated: 2016-11-09. Review status: criteria provided, single submitter. Criteria: Invitae Variant Classification Sherloc (09022015). Collection method: clinical testing. Allele origin: germline.
Comment: Algorithms developed to predict the effect of missense changes on protein structure and function do not agree on the potential impact of this missense change (SIFT: "Tolerated"; PolyPhen-2: "Probably Damaging"; Align-GVGD: "Class C0"). A different variant (c.1440A>C), giving rise to the same protein effect (p.Leu480Phe) has been reported in an individual affected with prostate cancer (PMID: 19638463), as well as in individuals with ovarian cancer (PMID: 24448499, 26689913). In summary, this variant is a novel missense change with uncertain impact on protein function. It has been classified as a Variant of Uncertain Significance. This variant is not present in population databases (ExAC no frequency) and has not been reported in the literature in individuals with a ATM-related disease. This sequence change replaces leucine with phenylalanine at codon 480 of the ATM protein (p.Leu480Phe). The leucine residue is highly conserved and there is a small physicochemical difference between leucine and phenylalanine.

Literature cited by the submitters: PubMed 19638463; PubMed 24448499; PubMed 26689913.